The following is an entry in ClinVar:

ClinVar aggregate classification (germline): Uncertain significance. Review status: criteria provided, multiple submitters, no conflicts (2 of 4 stars). 2 submissions from 2 submitters: Uncertain significance (2). Last evaluated 2024-11-22.

Conditions:
Inborn genetic diseases. Identifiers: MedGen C0950123, MeSH D030342.
Baller-Gerold syndrome (BGS). Also called: CRANIOSYNOSTOSIS WITH RADIAL DEFECTS. Identifiers: Orphanet 1225, MedGen C0265308, MONDO:0009039, OMIM 218600.

Allele frequency attached by ClinVar (database versions not stated): gnomAD exomes below 0.00001.
gnomAD v4.1: 1 of 1,612,516 alleles (0.000062%); highest among the groups gnomAD compares: South Asian, 0.0011%; no homozygotes.

Submissions (2):

Ambry Genetics
Classification: Uncertain significance for Inborn genetic diseases. Last evaluated: 2024-11-22. Review status: criteria provided, single submitter. Criteria: Ambry Variant Classification Scheme 2023. Collection method: clinical testing. Allele origin: germline.
Comment: The p.G1041R variant (also known as c.3121G>A), located in coding exon 18 of the RECQL4 gene, results from a G to A substitution at nucleotide position 3121. The glycine at codon 1041 is replaced by arginine, an amino acid with dissimilar properties. This amino acid position is conserved. Based on the available evidence, the clinical significance of this variant remains unclear.

Labcorp Genetics (formerly Invitae), Labcorp
Classification: Uncertain significance for Baller-Gerold syndrome. Last evaluated: 2023-08-24. Review status: criteria provided, single submitter. Criteria: Invitae Variant Classification Sherloc (09022015). Collection method: clinical testing. Allele origin: germline.
Comment: In summary, the available evidence is currently insufficient to determine the role of this variant in disease. Therefore, it has been classified as a Variant of Uncertain Significance. Advanced modeling of protein sequence and biophysical properties (such as structural, functional, and spatial information, amino acid conservation, physicochemical variation, residue mobility, and thermodynamic stability) performed at Invitae indicates that this missense variant is not expected to disrupt RECQL4 protein function. ClinVar contains an entry for this variant (Variation ID: 1396538). This variant has not been reported in the literature in individuals affected with RECQL4-related conditions. This variant is not present in population databases (gnomAD no frequency). This sequence change replaces glycine, which is neutral and non-polar, with arginine, which is basic and polar, at codon 1041 of the RECQL4 protein (p.Gly1041Arg).

NM_004260.4(RECQL4):c.3121G>A (p.Gly1041Arg)

Gene: RECQL4 (RecQ like helicase 4; minus strand). Cytogenetic location: 8q24.3.
Variant type: single nucleotide variant.
Coding change: c.3121G>A on transcript NM_004260.4 (MANE Select); coding-DNA position 3121, G replaced by A.
Protein change: p.Gly1041Arg; replaces glycine 1041 with arginine.
Molecular consequence: missense variant.
Genome position (GRCh38, 1-based): chr8:144,512,259, C>T on the plus strand (G>A on the coding strand, the complement: RECQL4 is on the minus strand). VCF-style: chr8-144512259-C-T. GRCh37 (hg19) VCF-style: chr8-145737642-C-T.
Other names: c.3121G>A (NM_004260.3); short protein forms G1041R.
Identifiers: ClinVar variation 1396538 (VCV001396538.8), dbSNP rs2130659641, ClinGen allele CA372670498.
Genomic context (GRCh38, chr8:144,512,259, plus strand): 5'-CCTGCACACGGCCATAGAGGAAGTCACATATCTGGTCCTTCTCCTCAGCGGTCAAGTCCC[C>T]CGGGCTGCGAAGGTGGAAGGCCAGCTCACTGAACTCCACAAGCACCCCTGTCCCACGCCG-3'
Protein context (NP_004251.4, residues 1031-1051): SELAFHLRSP[Gly1041Arg]DLTAEEKDQI